The following is an entry in ClinVar:

NM_015450.3(POT1):c.1334T>C (p.Leu445Pro)

Gene: POT1 (protection of telomeres 1; minus strand). Cytogenetic location: 7q31.33.
Variant type: single nucleotide variant.
Coding change: c.1334T>C on transcript NM_015450.3 (MANE Select); coding-DNA position 1334, T replaced by C.
Protein change: p.Leu445Pro; replaces leucine 445 with proline.
Molecular consequence: missense variant. On other transcripts: non-coding transcript variant (3).
Genome position (GRCh38, 1-based): chr7:124,841,008, A>G on the plus strand (T>C on the coding strand, the complement: POT1 is on the minus strand). VCF-style: chr7-124841008-A-G. GRCh37 (hg19) VCF-style: chr7-124481062-A-G.
Other names: c.1334T>C (NM_015450.2); c.941T>C, p.Leu314Pro (NM_001042594.2); short protein forms L314P, L445P.
Identifiers: ClinVar variation 1005606 (VCV001005606.10), dbSNP rs1795013633, ClinGen allele CA369066776.

ClinVar aggregate classification (germline): Uncertain significance. Review status: criteria provided, multiple submitters, no conflicts (2 of 4 stars). 2 submissions from 2 submitters: Uncertain significance (2). Last evaluated 2026-07-07.

Conditions:
Tumor predisposition syndrome 3 (TPDS3). Also called: Glioma susceptibility 9; LONG TELOMERE SYNDROME, POT1-RELATED; POT1 Tumor Predisposition; Melanoma, cutaneous malignant, susceptibility to, 10. Identifiers: Orphanet 618, MedGen C4014476, MONDO:0014368, OMIM 615848.
Hereditary cancer-predisposing syndrome. Also called: Tumor predisposition; Hereditary Cancer Syndrome; Hereditary neoplastic syndrome; Neoplastic Syndromes, Hereditary. Identifiers: Orphanet 140162, MedGen C0027672, MeSH D009386, MONDO:0015356.

Submissions (2):

Ambry Genetics
Classification: Uncertain significance for Hereditary cancer-predisposing syndrome. Last evaluated: 2026-07-07. Review status: criteria provided, single submitter. Criteria: Ambry Variant Classification Scheme 2023. Collection method: clinical testing. Allele origin: germline.
Comment: The p.L445P variant (also known as c.1334T>C), located in coding exon 10 of the POT1 gene, results from a T to C substitution at nucleotide position 1334. The leucine at codon 445 is replaced by proline, an amino acid with similar properties. This amino acid position is conserved. In addition, the in silico prediction for this alteration is inconclusive. Based on the available evidence, the clinical significance of this variant remains unclear.

Labcorp Genetics (formerly Invitae), Labcorp
Classification: Uncertain significance for Tumor predisposition syndrome 3. Last evaluated: 2020-06-18. Review status: criteria provided, single submitter. Criteria: Invitae Variant Classification Sherloc (09022015). Collection method: clinical testing. Allele origin: germline.
Comment: This sequence change replaces leucine with proline at codon 445 of the POT1 protein (p.Leu445Pro). The leucine residue is highly conserved and there is a moderate physicochemical difference between leucine and proline. This variant is not present in population databases (ExAC no frequency). This variant has not been reported in the literature in individuals with POT1-related conditions. Algorithms developed to predict the effect of missense changes on protein structure and function are either unavailable or do not agree on the potential impact of this missense change (SIFT: "Deleterious"; PolyPhen-2: "Probably Damaging"; Align-GVGD: "Class C0"). In summary, the available evidence is currently insufficient to determine the role of this variant in disease. Therefore, it has been classified as a Variant of Uncertain Significance.